The following is an entry in ClinVar:

NM_007198.4(PLPBP):c.824A>T (p.His275Leu)

Gene: PLPBP (pyridoxal phosphate binding protein; plus strand). Cytogenetic location: 8p11.23.
Variant type: single nucleotide variant.
Coding change: c.824A>T on transcript NM_007198.4 (MANE Select); coding-DNA position 824, A replaced by T.
Protein change: p.His275Leu; replaces histidine 275 with leucine.
Molecular consequence: missense variant.
Genome position (GRCh38, 1-based): chr8:37,778,100, A>T. VCF-style: chr8-37778100-A-T. GRCh37 (hg19) VCF-style: chr8-37635618-A-T.
Other names: c.824A>T (NM_007198.3); c.854A>T, p.His285Leu (NM_001349346.2); c.818A>T, p.His273Leu (NM_001349347.2); c.668A>T, p.His223Leu (NM_001349348.2); short protein forms H223L, H273L, H275L, H285L.
Identifiers: ClinVar variation 2173160 (VCV002173160.3), dbSNP rs758438904, ClinGen allele CA4711373.

ClinVar aggregate classification (germline): Uncertain significance. Review status: criteria provided, multiple submitters, no conflicts (2 of 4 stars). 3 submissions from 3 submitters: Uncertain significance (3). Last evaluated 2025-08-25.

Conditions:
Inborn genetic diseases. Identifiers: MedGen C0950123, MeSH D030342.

Allele frequency attached by ClinVar (database versions not stated): gnomAD 0.00008; TOPMed 0.00009; ExAC 0.00010.
gnomAD v4.1: 157 of 1,612,738 alleles (0.0097%); highest among the groups gnomAD compares: Non-Finnish European, 0.012%; no homozygotes.

Submissions (3):

Ambry Genetics
Classification: Uncertain significance for Inborn genetic diseases. Last evaluated: 2025-08-25. Review status: criteria provided, single submitter. Criteria: Ambry Variant Classification Scheme 2023. Collection method: clinical testing. Allele origin: germline.

Blueprint Genetics
Classification: Uncertain significance. Last evaluated: 2024-09-04. Review status: criteria provided, single submitter. Criteria: ACMG Guidelines, 2015. Collection method: clinical testing. Allele origin: germline.

Labcorp Genetics (formerly Invitae), Labcorp
Classification: Uncertain significance. Last evaluated: 2022-06-18. Review status: criteria provided, single submitter. Criteria: Invitae Variant Classification Sherloc (09022015). Collection method: clinical testing. Allele origin: germline.
Comment: This sequence change replaces histidine, which is basic and polar, with leucine, which is neutral and non-polar, at codon 275 of the PROSC protein (p.His275Leu). This variant is present in population databases (rs758438904, gnomAD 0.02%). This variant has not been reported in the literature in individuals affected with PROSC-related conditions. Algorithms developed to predict the effect of missense changes on protein structure and function are either unavailable or do not agree on the potential impact of this missense change (SIFT: "Deleterious"; PolyPhen-2: "Benign"; Align-GVGD: "Class C0"). In summary, the available evidence is currently insufficient to determine the role of this variant in disease. Therefore, it has been classified as a Variant of Uncertain Significance.